The following is an entry in ClinVar:

NM_000257.4(MYH7):c.2313G>A (p.Gly771=)

Genes: MYH7 (myosin heavy chain 7; minus strand), LOC126861898 (BRD4-independent group 4 enhancer GRCh37_chr14:23893609-23894808; plus strand). Cytogenetic location: 14q11.2.
Variant type: single nucleotide variant.
Coding change: c.2313G>A on transcript NM_000257.4 (MANE Select); coding-DNA position 2313, G replaced by A.
Protein change: p.Gly771=; no amino-acid change (glycine 771 retained).
Molecular consequence: synonymous variant.
Genome position (GRCh38, 1-based): chr14:23,425,392, C>T on the plus strand (G>A on the coding strand, the complement: MYH7 is on the minus strand). VCF-style: chr14-23425392-C-T. GRCh37 (hg19) VCF-style: chr14-23894601-C-T.
Identifiers: ClinVar variation 1601925 (VCV001601925.9), dbSNP rs2138667275, ClinGen allele CA485622852.
Genomic context (GRCh38, chr14:23,425,392, plus strand): 5'-CTGGGCCTGGATACGCGTGATGATGCGGCTCAGCCTCTCGTCCCTCATTTCCTCCAGCAG[C>T]CCCAGCAGCCCGGCCTTGAAGAACACCTGCAGGCAAGGTGTGTGTTGGCCATGACTAGGG-3'
Protein context (NP_000248.2, residues 761-781): TKVFFKAGLL[Gly771=]LLEEMRDERL

ClinVar aggregate classification (germline): Likely benign. Review status: criteria provided, multiple submitters, no conflicts (2 of 4 stars). 2 submissions from 2 submitters: Likely benign (2). Last evaluated 2022-12-27.

Conditions:
Cardiomyopathy (CMYO). Also called: Cardiomyopathies. Identifiers: Orphanet 167848, MedGen C0878544, MONDO:0004994, HP:0001638. Inheritance: Various modes of inheritance.
Hypertrophic cardiomyopathy. Also called: HYPERTROPHIC MYOCARDIOPATHY. Identifiers: Orphanet 217569, MedGen C0007194, MeSH D002312, MONDO:0005045, HP:0001639.

Submissions (2):

All of Us Research Program, National Institutes of Health
Classification: Likely benign for Cardiomyopathy. Last evaluated: 2022-12-27. Review status: criteria provided, single submitter. Criteria: ACMG Guidelines, 2015. Collection method: clinical testing. Allele origin: germline. Inheritance: Autosomal dominant inheritance. Observed: 1 variant allele, 1 heterozygote.
Comment: This study involves interpretation of variants in research participants for the purpose of population health screening. Participant phenotype was not available at the time of variant classification. Additional details can be found in publication PMID: 35346344, PMCID: PMC8962531

Labcorp Genetics (formerly Invitae), Labcorp
Classification: Likely benign for Hypertrophic cardiomyopathy. Last evaluated: 2021-08-30. Review status: criteria provided, single submitter. Criteria: Invitae Variant Classification Sherloc (09022015). Collection method: clinical testing. Allele origin: germline.